The following is an entry in ClinVar:

ClinVar aggregate classification (germline): Uncertain significance (1 of 4 stars; one submission).

Conditions:
Ehlers-Danlos syndrome, kyphoscoliotic type 1 (EDSKSCL1). Also called: EHLERS-DANLOS SYNDROME, TYPE VIA; Ehlers-Danlos syndrome, hydroxylysine-deficient; EHLERS-DANLOS SYNDROME, OCULAR-SCOLIOTIC TYPE; PLOD1-Related Kyphoscoliotic Ehlers-Danlos Syndrome. Identifiers: Orphanet 1900, MedGen C0268342, MONDO:0016002, OMIM 225400. Disease mechanism: loss of function.

Allele frequency attached by ClinVar (database versions not stated): gnomAD exomes below 0.00001; gnomAD 0.00001; TOPMed 0.00001.
gnomAD v4.1: 7 of 1,613,844 alleles (0.00043%); highest among the groups gnomAD compares: Non-Finnish European, 0.00059%; no homozygotes.

Submission:

Labcorp Genetics (formerly Invitae), Labcorp
Classification: Uncertain significance for Ehlers-Danlos syndrome, kyphoscoliotic type 1. Last evaluated: 2021-06-13. Review status: criteria provided, single submitter. Criteria: Invitae Variant Classification Sherloc (09022015). Collection method: clinical testing. Allele origin: germline.
Comment: This sequence change replaces glycine with valine at codon 695 of the PLOD1 protein (p.Gly695Val). The glycine residue is highly conserved and there is a moderate physicochemical difference between glycine and valine. This variant is not present in population databases (ExAC no frequency). This variant has not been reported in the literature in individuals with PLOD1-related conditions. Algorithms developed to predict the effect of missense changes on protein structure and function are either unavailable or do not agree on the potential impact of this missense change (SIFT: "Deleterious"; PolyPhen-2: "Probably Damaging"; Align-GVGD: "Class C0"). Algorithms developed to predict the effect of sequence changes on RNA splicing suggest that this variant may create or strengthen a splice site, but this prediction has not been confirmed by published transcriptional studies. In summary, the available evidence is currently insufficient to determine the role of this variant in disease. Therefore, it has been classified as a Variant of Uncertain Significance.

NM_000302.4(PLOD1):c.2084G>T (p.Gly695Val)

Gene: PLOD1 (procollagen-lysine,2-oxoglutarate 5-dioxygenase 1; plus strand). Cytogenetic location: 1p36.22.
Variant type: single nucleotide variant.
Coding change: c.2084G>T on transcript NM_000302.4 (MANE Select); coding-DNA position 2084, G replaced by T.
Protein change: p.Gly695Val; replaces glycine 695 with valine.
Molecular consequence: missense variant.
Genome position (GRCh38, 1-based): chr1:11,974,708, G>T. VCF-style: chr1-11974708-G-T. GRCh37 (hg19) VCF-style: chr1-12034765-G-T.
Other names: c.2225G>T, p.Gly742Val (NM_001316320.2); short protein forms G742V, G695V.
Identifiers: ClinVar variation 1512525 (VCV001512525.8), dbSNP rs1415378080, ClinGen allele CA338453607.